The following is an entry in ClinVar:

ClinVar aggregate classification (germline): Likely pathogenic (1 of 4 stars; one submission).

Conditions:
ALDH3A2-related disorder. Also called: ALDH3A2-related condition.

Submission:

PreventionGenetics, part of Exact Sciences
Classification: Likely pathogenic for ALDH3A2-related condition. Last evaluated: 2023-04-20. Review status: criteria provided, single submitter. Criteria: ACMG Guidelines, 2015. Collection method: clinical testing. Allele origin: germline.
Comment: The ALDH3A2 c.520delC variant is predicted to result in premature protein termination (p.Leu174*). To our knowledge, this variant has not been reported in the literature or in a large population database, indicating this variant is rare. Nonsense variants in ALDH3A2 are expected to be pathogenic, and therefore we interpret c.520del (p.Leu174*) as likely pathogenic.

NM_000382.3(ALDH3A2):c.520del (p.Leu173_Leu174insTer)

Gene: ALDH3A2 (aldehyde dehydrogenase 3 family member A2; plus strand). Cytogenetic location: 17p11.2.
Variant type: Deletion.
Coding change: c.520del on transcript NM_000382.3 (MANE Select); coding-DNA position 520, one base deleted (C; older notation c.520delC).
Protein change: p.Leu173_Leu174insTer.
Molecular consequence: nonsense. On other transcripts: 5 prime UTR variant (1).
Genome position (GRCh38, 1-based): chr17:19,656,414, C deleted; the last of 2 consecutive C bases (chr17:19,656,413-19,656,414); deleting either gives the same sequence. VCF-style (leftmost placement, unchanged base first): chr17-19656412-TC-T. GRCh37 (hg19) VCF-style: chr17-19559725-TC-T.
Other names: c.520del, p.Leu173_Leu174insTer (NM_001031806.2, NM_001369136.1, NM_001369137.2 and 3 more transcripts); c.-60del (NM_001369148.2).
Identifiers: ClinVar variation 2633763 (VCV002633763.1), dbSNP rs2544371571, ClinGen allele CA2695201260.